The following is an entry in ClinVar:

NM_004519.4(KCNQ3):c.*1050A>C

Gene: KCNQ3 (potassium voltage-gated channel subfamily Q member 3; minus strand). Cytogenetic location: 8q24.22.
Variant type: single nucleotide variant.
Coding change: c.*1050A>C on transcript NM_004519.4 (MANE Select); 1050 bases downstream of the stop codon, A replaced by C.
Molecular consequence: 3 prime UTR variant.
Genome position (GRCh38, 1-based): chr8:132,128,212, T>G on the plus strand (A>C on the coding strand, the complement: KCNQ3 is on the minus strand). VCF-style: chr8-132128212-T-G. GRCh37 (hg19) VCF-style: chr8-133140459-T-G.
Other names: c.*1050A>C (NM_001204824.2).
Identifiers: ClinVar variation 361856 (VCV000361856.7), dbSNP rs76720699, ClinGen allele CA10624782.

ClinVar aggregate classification (germline): Benign. Review status: criteria provided, multiple submitters, no conflicts (2 of 4 stars). 2 submissions from 2 submitters: Benign (2). Last evaluated 2018-01-13.

Conditions:
Seizures, benign familial neonatal, 2. Also called: CONVULSIONS, BENIGN FAMILIAL NEONATAL, 2; KCNQ3-Related Self-Limited Familial Neonatal Epilepsy (SLFNE); Benign Neonatal Epilepsy 2; KCNQ3-Related Benign Familial Neonatal Epilepsy; Seizures, benign neonatal, 2. Identifiers: Orphanet 1949, MedGen C1852581, MONDO:0007366, OMIM 121201.

Allele frequency attached by ClinVar (database versions not stated): 1000 Genomes Project 30x 0.02327; TOPMed 0.04636; 1000 Genomes Project 0.02356; gnomAD 0.05328 and 0.05178.

Submissions (2):

Illumina Laboratory Services, Illumina
Classification: Benign for Seizures, benign familial neonatal, 2. Last evaluated: 2018-01-13. Review status: criteria provided, single submitter. Criteria: ICSL Variant Classification Criteria 13 December 2019. Collection method: clinical testing. Allele origin: germline.
Comment: This variant was observed in the ICSL laboratory as part of a predisposition screen in an ostensibly healthy population. It had not been previously curated by ICSL or reported in the Human Gene Mutation Database (HGMD: prior to June 1st, 2018), and was therefore a candidate for classification through an automated scoring system. Utilizing variant allele frequency, disease prevalence and penetrance estimates, and inheritance mode, an automated score was calculated to assess if this variant is too frequent to cause the disease. Based on the score and internal cut-off values, a variant classified as benign is not then subjected to further curation. The score for this variant resulted in a classification of benign for this disease.

Breakthrough Genomics
Classification: Benign. Review status: criteria provided, single submitter. Criteria: ACMG Guidelines, 2015. Collection method: not provided. Allele origin: germline. Inheritance: Autosomal dominant inheritance. Affected: yes.